The following is an entry in ClinVar:

ClinVar aggregate classification (germline): Likely pathogenic (1 of 4 stars; one submission).

Submission:

Institute for Clinical Genetics, University Hospital TU Dresden, University Hospital TU Dresden
Classification: Likely pathogenic. Last evaluated: 2022-08-24. Review status: criteria provided, single submitter. Criteria: ACMG Guidelines, 2015. Collection method: clinical testing. Allele origin: germline.
Comment: PVS1, PM2_SUP

NM_001165963.4(SCN1A):c.695-1G>A

Gene: SCN1A (sodium voltage-gated channel alpha subunit 1; minus strand). Cytogenetic location: 2q24.3.
Variant type: single nucleotide variant.
Coding change: c.695-1G>A on transcript NM_001165963.4 (MANE Select); the canonical splice acceptor site of the intron before coding-DNA position 695, G replaced by A.
Molecular consequence: splice acceptor variant.
Genome position (GRCh38, 1-based): chr2:166,051,989, C>T on the plus strand (G>A on the coding strand, the complement: SCN1A is on the minus strand). VCF-style: chr2-166051989-C-T. GRCh37 (hg19) VCF-style: chr2-166908499-C-T.
Other names: c.695-1G>A (NM_001353949.2, NM_001353958.2, NM_001353950.2 and 10 more transcripts); c.-1731-1G>A (NM_001353961.2).
Identifiers: ClinVar variation 2576020 (VCV002576020.1), dbSNP rs2468225592, ClinGen allele CA349073901.